The following is an entry in ClinVar:

ClinVar aggregate classification (germline): Benign (0 of 4 stars; one submission).

Conditions:
MUC16-related disorder. Also called: MUC16-related condition.

Allele frequency attached by ClinVar (database versions not stated): gnomAD exomes 0.00921; gnomAD 0.01868; ExAC 0.02415; 1000 Genomes Project 0.04593; 1000 Genomes Project 30x 0.07761.

Submission:

PreventionGenetics, part of Exact Sciences
Classification: Benign for MUC16-related condition. Last evaluated: 2020-01-03. Review status: no assertion criteria provided. Collection method: clinical testing. Allele origin: germline.
Comment: This variant is classified as benign based on ACMG/AMP sequence variant interpretation guidelines (Richards et al. 2015 PMID: 25741868, with internal and published modifications).

NM_001401501.2(MUC16):c.42551G>A (p.Arg14184His)

Gene: MUC16 (mucin 16, cell surface associated; minus strand). Cytogenetic location: 19p13.2.
Variant type: single nucleotide variant.
Coding change: c.42551G>A on transcript NM_001401501.2 (MANE Select); coding-DNA position 42551, G replaced by A.
Protein change: p.Arg14184His; replaces arginine 14184 with histidine.
Molecular consequence: missense variant.
Genome position (GRCh38, 1-based): chr19:8,892,939, C>T on the plus strand (G>A on the coding strand, the complement: MUC16 is on the minus strand). VCF-style: chr19-8892939-C-T. GRCh37 (hg19) VCF-style: chr19-9003615-C-T.
Other names: c.42977G>A, p.Arg14326His (NM_001414686.1); c.42431G>A, p.Arg14144His (NM_001414687.1); c.40025G>A, p.Arg13342His (NM_024690.2); short protein forms R13342H, R14144H, R14184H, R14326H.
Identifiers: ClinVar variation 3060570 (VCV003060570.2), dbSNP rs200286056, ClinGen allele CA9163684.